The following is an entry in ClinVar:

NM_017534.6(MYH2):c.5672C>T (p.Ala1891Val)

Genes: MYH2 (myosin heavy chain 2; minus strand), MYHAS (myosin heavy chain gene cluster antisense RNA; plus strand). Cytogenetic location: 17p13.1.
Variant type: single nucleotide variant.
Coding change: c.5672C>T on transcript NM_017534.6 (MANE Select); coding-DNA position 5672, C replaced by T.
Protein change: p.Ala1891Val; replaces alanine 1891 with valine.
Molecular consequence: missense variant.
Genome position (GRCh38, 1-based): chr17:10,523,091, G>A on the plus strand (C>T on the coding strand, the complement: MYH2 is on the minus strand). VCF-style: chr17-10523091-G-A. GRCh37 (hg19) VCF-style: chr17-10426408-G-A.
Other names: c.5672C>T, p.Ala1891Val (NM_001100112.2); short protein forms A1891V.
Identifiers: ClinVar variation 2910677 (VCV002910677.3), dbSNP rs2508406647, ClinGen allele CA398113288.
Genomic context (GRCh38, chr17:10,523,091, plus strand): 5'-CAAGAAGTAGTAATTATTTATTAGCTTAATTTGAGGACTTCAATCTTAAAAATACTTACA[G>A]CCTCCTCAGCTTGTCTCTTATAAGATTTCACTTTTGCCTGAAGTTTATCTACCAAATCTT-3'
Protein context (NP_060004.3, residues 1881-1901): VKSYKRQAEE[Ala1891Val]EEQSNTNLAK

ClinVar aggregate classification (germline): Uncertain significance (1 of 4 stars; one submission).

Conditions:
Myopathy, proximal, and ophthalmoplegia (CMYO6). Also called: MYOPATHY WITH CONGENITAL JOINT CONTRACTURES, OPHTHALMOPLEGIA, AND RIMMED VACUOLES; CONGENITAL MYOPATHY 6 WITH OPHTHALMOPLEGIA; INCLUSION BODY MYOPATHY 3, AUTOSOMAL DOMINANT. Identifiers: Orphanet 363677, Orphanet 79091, MedGen C1854106, MONDO:0011577, OMIM 605637.

Allele frequency attached by ClinVar (database versions not stated): gnomAD exomes below 0.00001.

Submission:

Labcorp Genetics (formerly Invitae), Labcorp
Classification: Uncertain significance for Myopathy, proximal, and ophthalmoplegia. Last evaluated: 2023-04-13. Review status: criteria provided, single submitter. Criteria: Invitae Variant Classification Sherloc (09022015). Collection method: clinical testing. Allele origin: germline.
Comment: This sequence change replaces alanine, which is neutral and non-polar, with valine, which is neutral and non-polar, at codon 1891 of the MYH2 protein (p.Ala1891Val). This variant is not present in population databases (gnomAD no frequency). This variant has not been reported in the literature in individuals affected with MYH2-related conditions. An algorithm developed to predict the effect of missense changes on protein structure and function (PolyPhen-2) suggests that this variant is likely to be tolerated. Algorithms developed to predict the effect of sequence changes on RNA splicing suggest that this variant may create or strengthen a splice site. In summary, the available evidence is currently insufficient to determine the role of this variant in disease. Therefore, it has been classified as a Variant of Uncertain Significance.